The following is an entry in ClinVar:

ClinVar aggregate classification (germline): Conflicting classifications of pathogenicity. Review status: criteria provided, conflicting classifications (1 of 4 stars). 3 submissions from 3 submitters: Pathogenic (1); Uncertain significance (2). Last evaluated 2025-07-21.

Conditions:
Pyridoxine-dependent epilepsy (EPEO4). Also called: Pyridoxine-Dependent Epilepsy - ALDH7A1; EPILEPSY, EARLY-ONSET, 4, VITAMIN B6-DEPENDENT; Pyridoxine-Dependent Seizures; PYRIDOXINE DEPENDENCY WITH SEIZURES. Identifiers: Orphanet 3006, MedGen C1849508, MONDO:0009945, OMIM 266100. Disease mechanism: loss of function.

Allele frequency attached by ClinVar (database versions not stated): ExAC 0.00001.

Submissions (3):

3billion
Classification: Uncertain significance for Pyridoxine-dependent epilepsy. Last evaluated: 2025-07-21. Review status: criteria provided, single submitter. Criteria: ACMG Guidelines, 2015. Collection method: clinical testing. Allele origin: germline. Affected: yes.
Comment: The variant is observed at an extremely low frequency in the gnomAD v4.1.0 dataset (total allele frequency: <0.001%). Predicted Consequence/Location: Missense variant In silico tool predictions suggest damaging effect of the variant on gene or gene product [REVEL: 0.86 (>=0.6, sensitivity 0.68 and specificity 0.92); 3Cnet: 0.77 (> 0.75, sensitivity 0.96 and precision 0.92)]. The same nucleotide change resulting in the same amino acid change has been previously reported to be associated with ALDH7A1-related disorder (ClinVar ID: VCV000378895 /PMID: 31737911). Therefore, this variant is classified as VUS according to the recommendation of ACMG/AMP guideline.

Labcorp Genetics (formerly Invitae), Labcorp
Classification: Pathogenic for Pyridoxine-dependent epilepsy. Last evaluated: 2024-02-18. Review status: criteria provided, single submitter. Criteria: Invitae Variant Classification Sherloc (09022015). Collection method: clinical testing. Allele origin: germline.
Comment: This sequence change replaces alanine, which is neutral and non-polar, with threonine, which is neutral and polar, at codon 321 of the ALDH7A1 protein (p.Ala321Thr). This variant is present in population databases (rs746212816, gnomAD 0.0009%). This missense change has been observed in individual(s) with pyridoxine-dependent epilepsy (PMID: 31737911). ClinVar contains an entry for this variant (Variation ID: 378895). Advanced modeling of protein sequence and biophysical properties (such as structural, functional, and spatial information, amino acid conservation, physicochemical variation, residue mobility, and thermodynamic stability) performed at Invitae indicates that this missense variant is expected to disrupt ALDH7A1 protein function with a positive predictive value of 95%. For these reasons, this variant has been classified as Pathogenic.

GeneDx
Classification: Uncertain significance. Last evaluated: 2016-10-14. Review status: criteria provided, single submitter. Criteria: GeneDx Variant Classification (06012015). Collection method: clinical testing. Allele origin: germline. Affected: yes.
Comment: A variant of uncertain significance has been identified in the ALDH7A1 gene. The A321T variant has not been published as a pathogenic variant, nor has it been reported as a benign variant to our knowledge. It was not observed in approximately 6,500 individuals of European and African American ancestry in the NHLBI Exome Sequencing Project, indicating it is not a common benign variant in these populations. The A321T variant is a non-conservative amino acid substitution, which is likely to impact secondary protein structure as these residues differ in polarity, charge, size and/or other properties. Additionally, this substitution occurs at a position that is conserved across species, and in silico analysis predicts this variant is probably damaging to the protein structure/function. Furthermore, missense variants in nearby residues (S317L, A318P, A322V, T325R/K) have been reported in the Human Gene Mutation Database in association with ALDH7A1-related disorders (Stenson et al., 2014), supporting the functional importance of this region of the protein. Based on the currently available information, it is unclear whether this variant is a pathogenic variant or a rare benign variant.

Literature cited by the submitters: PubMed 31737911 (cited by 3billion and Labcorp Genetics (formerly Invitae), Labcorp).

NM_001182.5(ALDH7A1):c.961G>A (p.Ala321Thr)

Gene: ALDH7A1 (aldehyde dehydrogenase 7 family member A1; minus strand). Cytogenetic location: 5q23.2.
Variant type: single nucleotide variant.
Coding change: c.961G>A on transcript NM_001182.5 (MANE Select); coding-DNA position 961, G replaced by A.
Protein change: p.Ala321Thr; replaces alanine 321 with threonine.
Molecular consequence: missense variant.
Genome position (GRCh38, 1-based): chr5:126,559,287, C>T on the plus strand (G>A on the coding strand, the complement: ALDH7A1 is on the minus strand). VCF-style: chr5-126559287-C-T. GRCh37 (hg19) VCF-style: chr5-125894979-C-T.
Other names: c.877G>A, p.Ala293Thr (NM_001201377.2); c.961G>A, p.Ala321Thr (NM_001202404.2); short protein forms A321T, A293T.
Identifiers: ClinVar variation 378895 (VCV000378895.11), dbSNP rs746212816, ClinGen allele CA3389574.
Genomic context (GRCh38, chr5:126,559,287, plus strand): 5'-CAGATATACTCACCAGTCGCCTCGCAGTGGTACACCTCTGGCCAGCTGTTCCCACAGCAG[C>T]GAAGAGAGCTGATGGAACAACTAAGCTGAGGTCTGCATCTTCAAAGGCTTAGGAAAGCAC-3'
Protein context (NP_001173.2, residues 311-331): LSLVVPSALF[Ala321Thr]AVGTAGQRCT